The following is an entry in ClinVar:

ClinVar aggregate classification (germline): Conflicting classifications of pathogenicity. Review status: criteria provided, conflicting classifications (1 of 4 stars). 8 submissions from 8 submitters: Uncertain significance (6); Likely benign (1). 1 of the submissions does not count toward it. Last evaluated 2025-08-04.

Conditions:
Cardiovascular phenotype. Identifiers: MedGen CN230736.
Brugada syndrome 9 (BRGDA9). Identifiers: Orphanet 130, MedGen C4225340, MONDO:0014621, OMIM 616399.
Spinocerebellar ataxia type 19/22 (SCA19). Also called: SPINOCEREBELLAR ATAXIA 19; SPINOCEREBELLAR ATAXIA 22. Identifiers: Orphanet 98772, MedGen C1846367, MONDO:0011819, OMIM 607346.
KCND3-related disorder. Also called: KCND3-related condition.

Allele frequency attached by ClinVar (database versions not stated): ExAC 0.00008; gnomAD 0.00005; TOPMed 0.00006; ESP Exome Variant Server 0.00008; gnomAD exomes 0.00006 and 0.00010.
gnomAD v4.1: 152 of 1,613,968 alleles (0.0094%); highest among the groups gnomAD compares: Admixed American, 0.015%; no homozygotes.

Submissions (8):

Athena Diagnostics
Classification: Uncertain significance. Last evaluated: 2025-08-04. Review status: criteria provided, single submitter. Criteria: Athena Diagnostics Criteria. Collection method: clinical testing. Allele origin: unknown.
Comment: Available data are insufficient to determine the clinical significance of the variant at this time. The frequency of this variant in the general population is higher than would generally be expected for pathogenic variants in this gene. In our internal patient population, this variant is statistically more frequent than in the general population, which is weak evidence this variant may be disease causing. Assessment of experimental evidence suggests this variant results in abnormal protein function. (PMID: 21349352, 26016905)

PreventionGenetics, part of Exact Sciences
Classification: Uncertain significance for KCND3-related condition. Last evaluated: 2025-03-06. Review status: criteria provided, single submitter. Criteria: ACMG Guidelines, 2015. Collection method: clinical testing. Allele origin: germline.
Comment: The KCND3 c.1798G>A variant is predicted to result in the amino acid substitution p.Gly600Arg. This variant has been reported in an individual with Brugada syndrome causing sudden unexplained death (Giudicessi et al. 2012. PubMed ID: 22457051). This variant has also been reported in an individual with cerebellar ataxia (Table S9, Nibbeling et al. 2017. PubMed ID: 29053796). This variant is reported in 0.011% of alleles in individuals of European (non-Finnish) descent in gnomAD. In vitro experimental studies suggests this variant has a gain-of-function effect on the protein leading to increased peak current density (Giudicessi et al. 2011. PubMed ID: 21349352; Giudicessi et al. 2012. PubMed ID: 22457051). At this time, the clinical significance of this variant is uncertain due to the absence of conclusive functional and genetic evidence.

GeneDx
Classification: Uncertain significance. Last evaluated: 2024-12-13. Review status: criteria provided, single submitter. Criteria: GeneDx Variant Classification Process June 2021. Collection method: clinical testing. Allele origin: germline. Affected: yes.
Comment: Reported in at least one individual with Brugada syndrome and sudden unexplained death (PMID: 22457051); Published functional studies suggest a damaging effect as this variant significantly increased peak current density and slowed transient outward current inactivation (PMID: 22457051); In silico analysis is inconclusive as to whether the variant alters gene splicing. In the absence of RNA/functional studies, the actual effect of this sequence change is unknown.; In silico analysis indicates that this missense variant does not alter protein structure/function; This variant is associated with the following publications: (PMID: 22840528, 29053796, 30662450, 22457051)

Labcorp Genetics (formerly Invitae), Labcorp
Classification: Uncertain significance for Spinocerebellar ataxia type 19/22. Last evaluated: 2024-09-29. Review status: criteria provided, single submitter. Criteria: Invitae Variant Classification Sherloc (09022015). Collection method: clinical testing. Allele origin: germline.
Comment: This sequence change replaces glycine, which is neutral and non-polar, with arginine, which is basic and polar, at codon 600 of the KCND3 protein (p.Gly600Arg). This variant is present in population databases (rs149344567, gnomAD 0.01%), and has an allele count higher than expected for a pathogenic variant. This missense change has been observed in individual(s) with clinical features of Brugada syndrome (PMID: 21349352, 22457051). ClinVar contains an entry for this variant (Variation ID: 192254). An algorithm developed to predict the effect of missense changes on protein structure and function (PolyPhen-2) suggests that this variant is likely to be disruptive. Experimental studies have shown that this missense change affects KCND3 function (PMID: 21349352, 22457051, 26016905). Algorithms developed to predict the effect of sequence changes on RNA splicing suggest that this variant may disrupt the consensus splice site. In summary, the available evidence is currently insufficient to determine the role of this variant in disease. Therefore, it has been classified as a Variant of Uncertain Significance.

Ambry Genetics
Classification: Likely benign for Cardiovascular phenotype. Last evaluated: 2023-07-18. Review status: criteria provided, single submitter. Criteria: Ambry Variant Classification Scheme 2023. Collection method: clinical testing. Allele origin: germline.

Fulgent Genetics
Classification: Uncertain significance for Spinocerebellar ataxia type 19/22; Brugada syndrome 9. Last evaluated: 2021-10-30. Review status: criteria provided, single submitter. Criteria: ACMG Guidelines, 2015. Collection method: clinical testing. Allele origin: unknown.

AiLife Diagnostics
Classification: Uncertain significance. Last evaluated: 2021-05-16. Review status: criteria provided, single submitter. Criteria: ACMG Guidelines, 2015. Collection method: clinical testing. Allele origin: germline. Affected: yes. Observed: 2 variant alleles.

OMIM
Classification: Pathogenic for BRUGADA SYNDROME 9. Last evaluated: 2012-06-01. Review status: no assertion criteria provided. Collection method: literature only. Allele origin: germline. Not counted in ClinVar's aggregate classification.

Literature cited by the submitters: PubMed 30662450 (cited by Athena Diagnostics and AiLife Diagnostics); PubMed 22457051 (cited by 5 submitters); PubMed 21349352 (cited by 4 submitters); PubMed 26016905 (cited by 4 submitters); PubMed 22840528 (cited by 3 submitters); PubMed 22284586 (cited by Ambry Genetics); PubMed 23414114 (cited by Ambry Genetics); PubMed 29053796 (cited by Ambry Genetics and AiLife Diagnostics).

NM_001378969.1(KCND3):c.1798G>A (p.Gly600Arg)

Gene: KCND3 (potassium voltage-gated channel subfamily D member 3; minus strand). Cytogenetic location: 1p13.2.
Variant type: single nucleotide variant.
Coding change: c.1798G>A on transcript NM_001378969.1 (MANE Select); coding-DNA position 1798, G replaced by A.
Protein change: p.Gly600Arg; replaces glycine 600 with arginine.
Molecular consequence: missense variant.
Genome position (GRCh38, 1-based): chr1:111,776,247, C>T on the plus strand (G>A on the coding strand, the complement: KCND3 is on the minus strand). VCF-style: chr1-111776247-C-T. GRCh37 (hg19) VCF-style: chr1-112318869-C-T.
Other names: G600R; c.1741G>A, p.Gly581Arg (NM_001378970.1, NM_172198.3); c.1798G>A, p.Gly600Arg (NM_004980.5); short protein forms G581R.
Identifiers: ClinVar variation 192254 (VCV000192254.24), dbSNP rs149344567, ClinGen allele CA052108.